The following is an entry in ClinVar:

ClinVar aggregate classification (germline): Uncertain significance. Review status: criteria provided, multiple submitters, no conflicts (2 of 4 stars). 2 submissions from 2 submitters: Uncertain significance (2). Last evaluated 2025-07-04.

Conditions:
Inborn genetic diseases. Identifiers: MedGen C0950123, MeSH D030342.

Allele frequency attached by ClinVar (database versions not stated): TOPMed below 0.00001; ExAC 0.00001.
gnomAD v4.1: 1 of 1,560,860 alleles (0.000064%); highest among the groups gnomAD compares: East Asian, 0.0024%; no homozygotes.

Submissions (2):

Ambry Genetics
Classification: Uncertain significance for Inborn genetic diseases. Last evaluated: 2025-07-04. Review status: criteria provided, single submitter. Criteria: Ambry Variant Classification Scheme 2023. Collection method: clinical testing. Allele origin: germline.

Labcorp Genetics (formerly Invitae), Labcorp
Classification: Uncertain significance. Last evaluated: 2022-10-04. Review status: criteria provided, single submitter. Criteria: Invitae Variant Classification Sherloc (09022015). Collection method: clinical testing. Allele origin: germline.
Comment: In summary, the available evidence is currently insufficient to determine the role of this variant in disease. Therefore, it has been classified as a Variant of Uncertain Significance. Algorithms developed to predict the effect of missense changes on protein structure and function (SIFT, PolyPhen-2, Align-GVGD) all suggest that this variant is likely to be disruptive. This variant has not been reported in the literature in individuals affected with MPDZ-related conditions. The frequency data for this variant in the population databases is considered unreliable, as metrics indicate poor data quality at this position in the gnomAD database. This sequence change replaces glycine, which is neutral and non-polar, with aspartic acid, which is acidic and polar, at codon 1184 of the MPDZ protein (p.Gly1184Asp).

NM_001378778.1(MPDZ):c.3551G>A (p.Gly1184Asp)

Gene: MPDZ (multiple PDZ domain crumbs cell polarity complex component; minus strand). Cytogenetic location: 9p23.
Variant type: single nucleotide variant.
Coding change: c.3551G>A on transcript NM_001378778.1 (MANE Select); coding-DNA position 3551, G replaced by A.
Protein change: p.Gly1184Asp; replaces glycine 1184 with aspartic acid.
Molecular consequence: missense variant.
Genome position (GRCh38, 1-based): chr9:13,150,590, C>T on the plus strand (G>A on the coding strand, the complement: MPDZ is on the minus strand). VCF-style: chr9-13150590-C-T. GRCh37 (hg19) VCF-style: chr9-13150589-C-T.
Other names: c.3551G>A, p.Gly1184Asp (NM_001375418.1, NM_001375419.1, NM_001375420.1 and 13 more transcripts); c.3353G>A, p.Gly1118Asp (NM_001375427.1); c.3551G>A (NM_003829.3); short protein forms G1118D, G1184D.
Identifiers: ClinVar variation 2089039 (VCV002089039.5), dbSNP rs747166942, ClinGen allele CA4987080.